The following is an entry in ClinVar:

NM_003803.4(MYOM1):c.3630C>T (p.Cys1210=)

Gene: MYOM1 (myomesin 1; minus strand). Cytogenetic location: 18p11.31.
Variant type: single nucleotide variant.
Coding change: c.3630C>T on transcript NM_003803.4 (MANE Select); coding-DNA position 3630, C replaced by T.
Protein change: p.Cys1210=; no amino-acid change (cysteine 1210 retained).
Molecular consequence: synonymous variant.
Genome position (GRCh38, 1-based): chr18:3,100,372, G>A on the plus strand (C>T on the coding strand, the complement: MYOM1 is on the minus strand). VCF-style: chr18-3100372-G-A. GRCh37 (hg19) VCF-style: chr18-3100370-G-A.
Other names: c.3342C>T, p.Cys1114= (NM_019856.2).
Identifiers: ClinVar variation 1534187 (VCV001534187.14), dbSNP rs369080811, ClinGen allele CA8874233.

ClinVar aggregate classification (germline): Likely benign. Review status: criteria provided, multiple submitters, no conflicts (2 of 4 stars). 3 submissions from 3 submitters: Likely benign (3). Last evaluated 2026-02-01.

Conditions:
Hypertrophic cardiomyopathy. Also called: HYPERTROPHIC MYOCARDIOPATHY. Identifiers: Orphanet 217569, MedGen C0007194, MeSH D002312, MONDO:0005045, HP:0001639.

Allele frequency attached by ClinVar (database versions not stated): gnomAD 0.00001; gnomAD exomes 0.00001 and 0.00002; TOPMed 0.00002; ExAC 0.00004; ESP Exome Variant Server 0.00008.
gnomAD v4.1: 10 of 1,613,746 alleles (0.00062%); highest among the groups gnomAD compares: African/African-American, 0.0013%; no homozygotes.

Submissions (3):

CeGaT Center for Human Genetics Tuebingen
Classification: Likely benign. Last evaluated: 2026-02-01. Review status: criteria provided, single submitter. Criteria: CeGaT Center For Human Genetics Tuebingen Variant Classification Criteria Version 2. Collection method: clinical testing. Allele origin: germline. Affected: yes. Observed: 1 variant allele.
Comment: MYOM1: BP4, BP7

Ambry Genetics
Classification: Likely benign. Last evaluated: 2022-09-28. Review status: criteria provided, single submitter. Criteria: Ambry Variant Classification Scheme 2023. Collection method: clinical testing. Allele origin: germline.

Labcorp Genetics (formerly Invitae), Labcorp
Classification: Likely benign for Hypertrophic cardiomyopathy. Last evaluated: 2021-10-03. Review status: criteria provided, single submitter. Criteria: Invitae Variant Classification Sherloc (09022015). Collection method: clinical testing. Allele origin: germline.